The following is an entry in ClinVar:

NM_005932.4(MIPEP):c.834A>G (p.Gln278=)

Gene: MIPEP (mitochondrial intermediate peptidase; minus strand). Cytogenetic location: 13q12.12.
Variant type: single nucleotide variant.
Coding change: c.834A>G on transcript NM_005932.4 (MANE Select); coding-DNA position 834, A replaced by G.
Protein change: p.Gln278=; no amino-acid change (glutamine 278 retained).
Molecular consequence: synonymous variant.
Genome position (GRCh38, 1-based): chr13:23,869,401, T>C on the plus strand (A>G on the coding strand, the complement: MIPEP is on the minus strand). VCF-style: chr13-23869401-T-C. GRCh37 (hg19) VCF-style: chr13-24443540-T-C.
Identifiers: ClinVar variation 2170187 (VCV002170187.3), dbSNP rs112960512, ClinGen allele CA6913187.

ClinVar aggregate classification (germline): Conflicting classifications of pathogenicity. Review status: criteria provided, conflicting classifications (1 of 4 stars). 2 submissions from 2 submitters: Uncertain significance (1); Likely benign (1). Last evaluated 2025-10-01.

Allele frequency attached by ClinVar (database versions not stated): gnomAD exomes 0.00003; ExAC 0.00004; TOPMed 0.00023; gnomAD 0.00025; ESP Exome Variant Server 0.00031.
gnomAD v4.1: 107 of 1,611,996 alleles (0.0066%); highest among the groups gnomAD compares: African/African-American, 0.093%; no homozygotes.

Submissions (2):

Labcorp Genetics (formerly Invitae), Labcorp
Classification: Uncertain significance. Last evaluated: 2025-10-01. Review status: criteria provided, single submitter. Criteria: Invitae Variant Classification Sherloc (09022015). Collection method: clinical testing. Allele origin: germline.
Comment: This sequence change affects codon 278 of the MIPEP mRNA. It is a 'silent' change, meaning that it does not change the encoded amino acid sequence of the MIPEP protein. This variant is present in population databases (rs112960512, gnomAD 0.05%). This variant has not been reported in the literature in individuals affected with MIPEP-related conditions. ClinVar contains an entry for this variant (Variation ID: 2170187). Algorithms developed to predict the effect of sequence changes on RNA splicing suggest that this variant may create or strengthen a splice site. In summary, the available evidence is currently insufficient to determine the role of this variant in disease. Therefore, it has been classified as a Variant of Uncertain Significance.

Blueprint Genetics
Classification: Likely benign. Last evaluated: 2023-12-14. Review status: criteria provided, single submitter. Criteria: ACMG Guidelines, 2015. Collection method: clinical testing. Allele origin: germline.